The following is an entry in ClinVar:

NM_003482.4(KMT2D):c.12667C>G (p.Gln4223Glu)

Gene: KMT2D (lysine methyltransferase 2D; minus strand). Cytogenetic location: 12q13.12.
Variant type: single nucleotide variant.
Coding change: c.12667C>G on transcript NM_003482.4 (MANE Select); coding-DNA position 12667, C replaced by G.
Protein change: p.Gln4223Glu; replaces glutamine 4223 with glutamic acid.
Molecular consequence: missense variant.
Genome position (GRCh38, 1-based): chr12:49,032,038, G>C on the plus strand (C>G on the coding strand, the complement: KMT2D is on the minus strand). VCF-style: chr12-49032038-G-C. GRCh37 (hg19) VCF-style: chr12-49425821-G-C.
Other names: short protein forms Q4223E.
Identifiers: ClinVar variation 1391436 (VCV001391436.8), dbSNP rs1555187956, ClinGen allele CA384709960.

ClinVar aggregate classification (germline): Uncertain significance (1 of 4 stars; one submission).

Conditions:
Kabuki syndrome. Also called: Kabuki make-up syndrome; NIIKAWA-KUROKI SYNDROME. Identifiers: Orphanet 2322, MedGen C0796004, MONDO:0016512.

Submission:

Labcorp Genetics (formerly Invitae), Labcorp
Classification: Uncertain significance for Kabuki syndrome. Last evaluated: 2023-11-27. Review status: criteria provided, single submitter. Criteria: Invitae Variant Classification Sherloc (09022015). Collection method: clinical testing. Allele origin: germline.
Comment: This sequence change replaces glutamine, which is neutral and polar, with glutamic acid, which is acidic and polar, at codon 4223 of the KMT2D protein (p.Gln4223Glu). This variant is not present in population databases (gnomAD no frequency). This variant has not been reported in the literature in individuals affected with KMT2D-related conditions. ClinVar contains an entry for this variant (Variation ID: 1391436). Advanced modeling of protein sequence and biophysical properties (such as structural, functional, and spatial information, amino acid conservation, physicochemical variation, residue mobility, and thermodynamic stability) performed at Invitae indicates that this missense variant is not expected to disrupt KMT2D protein function with a negative predictive value of 95%. In summary, the available evidence is currently insufficient to determine the role of this variant in disease. Therefore, it has been classified as a Variant of Uncertain Significance.